The following is an entry in ClinVar:

ClinVar aggregate classification (germline): Uncertain significance (1 of 4 stars; one submission).

Allele frequency attached by ClinVar (database versions not stated): gnomAD exomes 0.00007; TOPMed 0.00008; gnomAD 0.00009 and 0.00011; ExAC 0.00011; ESP Exome Variant Server 0.00015; 1000 Genomes Project 30x 0.00016; 1000 Genomes Project 0.00020.
gnomAD v4.1: 78 of 1,614,030 alleles (0.0048%); highest among the groups gnomAD compares: African/African-American, 0.06%; no homozygotes.

Submission:

Labcorp Genetics (formerly Invitae), Labcorp
Classification: Uncertain significance. Last evaluated: 2025-10-27. Review status: criteria provided, single submitter. Criteria: Invitae Variant Classification Sherloc (09022015). Collection method: clinical testing. Allele origin: germline.
Comment: This sequence change replaces glutamine, which is neutral and polar, with histidine, which is basic and polar, at codon 1118 of the HMCN1 protein (p.Gln1118His). This variant is present in population databases (rs141081235, gnomAD 0.02%). This variant has not been reported in the literature in individuals affected with HMCN1-related conditions. ClinVar contains an entry for this variant (Variation ID: 1370316). An algorithm developed to predict the effect of missense changes on protein structure and function (PolyPhen-2) suggests that this variant is likely to be disruptive. In summary, the available evidence is currently insufficient to determine the role of this variant in disease. Therefore, it has been classified as a Variant of Uncertain Significance.

NM_031935.3(HMCN1):c.3354G>T (p.Gln1118His)

Gene: HMCN1 (hemicentin 1; plus strand). Cytogenetic location: 1q31.1.
Variant type: single nucleotide variant.
Coding change: c.3354G>T on transcript NM_031935.3 (MANE Select); coding-DNA position 3354, G replaced by T.
Protein change: p.Gln1118His; replaces glutamine 1118 with histidine.
Molecular consequence: missense variant.
Genome position (GRCh38, 1-based): chr1:185,990,420, G>T. VCF-style: chr1-185990420-G-T. GRCh37 (hg19) VCF-style: chr1-185959552-G-T.
Other names: short protein forms Q1118H.
Identifiers: ClinVar variation 1370316 (VCV001370316.6), dbSNP rs141081235, ClinGen allele CA1291681.